The following is an entry in ClinVar:

ClinVar aggregate classification (germline): Uncertain significance (1 of 4 stars; one submission).

Conditions:
Inborn genetic diseases. Identifiers: MedGen C0950123, MeSH D030342.

Submission:

Ambry Genetics
Classification: Uncertain significance for Inborn genetic diseases. Last evaluated: 2022-02-15. Review status: criteria provided, single submitter. Criteria: Ambry Variant Classification Scheme 2023. Collection method: clinical testing. Allele origin: germline.
Comment: The p.I36V variant (also known as c.106A>G), located in coding exon 2 of the ATR gene, results from an A to G substitution at nucleotide position 106. The isoleucine at codon 36 is replaced by valine, an amino acid with highly similar properties. This amino acid position is conserved. In addition, this alteration is predicted to be tolerated by in silico analysis. Since supporting evidence is limited at this time, the clinical significance of this alteration remains unclear.

NM_001184.4(ATR):c.106A>G (p.Ile36Val)

Gene: ATR (ATR checkpoint kinase; minus strand). Cytogenetic location: 3q23.
Variant type: single nucleotide variant.
Coding change: c.106A>G on transcript NM_001184.4 (MANE Select); coding-DNA position 106, A replaced by G.
Protein change: p.Ile36Val; replaces isoleucine 36 with valine.
Molecular consequence: missense variant.
Genome position (GRCh38, 1-based): chr3:142,568,108, T>C on the plus strand (A>G on the coding strand, the complement: ATR is on the minus strand). VCF-style: chr3-142568108-T-C. GRCh37 (hg19) VCF-style: chr3-142286950-T-C.
Other names: c.106A>G, p.Ile36Val (NM_001354579.2); short protein forms I36V.
Identifiers: ClinVar variation 1782912 (VCV001782912.2), dbSNP rs2473446256, ClinGen allele CA354829046.